The following is an entry in ClinVar:

ClinVar aggregate classification (germline): Conflicting classifications of pathogenicity. Review status: criteria provided, conflicting classifications (1 of 4 stars). 4 submissions from 4 submitters: Uncertain significance (2); Likely benign (2). Last evaluated 2024-10-01.

Conditions:
Inborn genetic diseases. Identifiers: MedGen C0950123, MeSH D030342.

Allele frequency attached by ClinVar (database versions not stated): ExAC 0.00004; gnomAD 0.00004; TOPMed 0.00006; gnomAD exomes 0.00007.
gnomAD v4.1: 113 of 1,613,706 alleles (0.007%); highest among the groups gnomAD compares: Admixed American, 0.02%; no homozygotes.

Submissions (4):

Blueprint Genetics
Classification: Likely benign. Last evaluated: 2024-10-01. Review status: criteria provided, single submitter. Criteria: ACMG Guidelines, 2015. Collection method: clinical testing. Allele origin: germline.

Labcorp Genetics (formerly Invitae), Labcorp
Classification: Uncertain significance. Last evaluated: 2022-10-13. Review status: criteria provided, single submitter. Criteria: Invitae Variant Classification Sherloc (09022015). Collection method: clinical testing. Allele origin: germline.
Comment: This sequence change replaces arginine, which is basic and polar, with histidine, which is basic and polar, at codon 276 of the ADAMTSL4 protein (p.Arg276His). This variant is present in population databases (rs376319833, gnomAD 0.02%). This variant has not been reported in the literature in individuals affected with ADAMTSL4-related conditions. ClinVar contains an entry for this variant (Variation ID: 1379137). Advanced modeling of protein sequence and biophysical properties (such as structural, functional, and spatial information, amino acid conservation, physicochemical variation, residue mobility, and thermodynamic stability) performed at Invitae indicates that this missense variant is not expected to disrupt ADAMTSL4 protein function. In summary, the available evidence is currently insufficient to determine the role of this variant in disease. Therefore, it has been classified as a Variant of Uncertain Significance.

GeneDx
Classification: Uncertain significance. Last evaluated: 2022-08-09. Review status: criteria provided, single submitter. Criteria: GeneDx Variant Classification Process June 2021. Collection method: clinical testing. Allele origin: germline. Affected: yes.
Comment: In silico analysis supports that this missense variant does not alter protein structure/function; Has not been previously published as pathogenic or benign to our knowledge

Ambry Genetics
Classification: Likely benign for Inborn genetic diseases. Last evaluated: 2022-05-01. Review status: criteria provided, single submitter. Criteria: Ambry Variant Classification Scheme 2023. Collection method: clinical testing. Allele origin: germline.

NM_019032.6(ADAMTSL4):c.827G>A (p.Arg276His)

Genes: ADAMTSL4 (ADAMTS like 4; plus strand), ADAMTSL4-AS2 (ADAMTSL4 antisense RNA 2; minus strand). Cytogenetic location: 1q21.2.
Variant type: single nucleotide variant.
Coding change: c.827G>A on transcript NM_019032.6 (MANE Select); coding-DNA position 827, G replaced by A.
Protein change: p.Arg276His; replaces arginine 276 with histidine.
Molecular consequence: missense variant.
Genome position (GRCh38, 1-based): chr1:150,553,818, G>A. VCF-style: chr1-150553818-G-A. GRCh37 (hg19) VCF-style: chr1-150526294-G-A.
Other names: c.827G>A (NM_019032.4, NM_019032.5); c.827G>A, p.Arg276His (NM_001288607.2, NM_001288608.2, NM_001378596.1 and 1 more transcripts); short protein forms R276H.
Identifiers: ClinVar variation 1379137 (VCV001379137.5), dbSNP rs376319833, ClinGen allele CA1078047.